The following is an entry in ClinVar:

ClinVar aggregate classification (germline): Pathogenic (1 of 4 stars; one submission).

Conditions:
Methylmalonic aciduria and homocystinuria type cblF. Also called: VITAMIN B12 LYSOSOMAL RELEASE DEFECT; VITAMIN B12 STORAGE DISEASE; COBALAMIN F DISEASE; COBALAMIN, DEFECT IN LYSOSOMAL RELEASE OF; METHYLMALONIC ACIDEMIA AND HOMOCYSTINURIA, cblF TYPE; METHYLMALONIC ACIDURIA DUE TO VITAMIN B12-RELEASE DEFECT. Identifiers: Orphanet 79284, MedGen C1848578, MONDO:0010183, OMIM 277380.

Submission:

Labcorp Genetics (formerly Invitae), Labcorp
Classification: Pathogenic for Methylmalonic aciduria and homocystinuria type cblF. Last evaluated: 2025-11-15. Review status: criteria provided, single submitter. Criteria: Invitae Variant Classification Sherloc (09022015). Collection method: clinical testing. Allele origin: germline.
Comment: This sequence change creates a premature translational stop signal (p.Leu356Cysfs*15) in the LMBRD1 gene. It is expected to result in an absent or disrupted protein product. Loss-of-function variants in LMBRD1 are known to be pathogenic (PMID: 19136951, 21303734). This variant is not present in population databases (gnomAD no frequency). This variant has not been reported in the literature in individuals affected with LMBRD1-related conditions. For these reasons, this variant has been classified as Pathogenic.

Literature cited by the submitters: PubMed 19136951; PubMed 21303734.

NM_018368.4(LMBRD1):c.1067del (p.Leu356fs)

Gene: LMBRD1 (LMBR1 domain containing 1; minus strand). Cytogenetic location: 6q13.
Variant type: Deletion.
Coding change: c.1067del on transcript NM_018368.4 (MANE Select); coding-DNA position 1067, one base deleted (T; older notation c.1067delT).
Protein change: p.Leu356fs; shifts the reading frame from leucine 356.
Molecular consequence: frameshift variant.
Genome position (GRCh38, 1-based): chr6:69,701,459, A deleted on the plus strand (T on the coding strand, the reverse complement: LMBRD1 is on the minus strand); the first of 4 consecutive A bases (chr6:69,701,459-69,701,462); deleting any one gives the same sequence. VCF-style (leftmost placement, unchanged base first): chr6-69701458-CA-C. GRCh37 (hg19) VCF-style: chr6-70411350-CA-C.
Other names: c.848del, p.Leu283fs (NM_001363722.2, NM_001367271.1, NM_001367272.1); short protein forms L283fs, L356fs.
Identifiers: ClinVar variation 4731228 (VCV004731228.1).